The following is an entry in ClinVar:

NM_025136.4(OPA3):c.275T>C (p.Val92Ala)

Genes: OPA3 (outer mitochondrial membrane lipid metabolism regulator OPA3; minus strand), OPA3-RTN2 (OPA3-RTN2 readthrough; minus strand). Cytogenetic location: 19q13.32.
Variant type: single nucleotide variant.
Coding change: c.275T>C on transcript NM_025136.4 (MANE Select); coding-DNA position 275, T replaced by C.
Protein change: p.Val92Ala; replaces valine 92 with alanine.
Molecular consequence: missense variant. On other transcripts: intron variant (1).
Genome position (GRCh38, 1-based): chr19:45,553,779, A>G on the plus strand (T>C on the coding strand, the complement: OPA3 is on the minus strand). VCF-style: chr19-45553779-A-G. GRCh37 (hg19) VCF-style: chr19-46057037-A-G.
Other names: c.143-24323T>C (NM_001017989.3); short protein forms V92A.
Identifiers: ClinVar variation 2934948 (VCV002934948.3), dbSNP rs1969378324, ClinGen allele CA406370972.

ClinVar aggregate classification (germline): Uncertain significance (1 of 4 stars; one submission).

Conditions:
3-Methylglutaconic aciduria type 3 (MGCA3). Also called: OPA3, AUTOSOMAL RECESSIVE; OPTIC ATROPHY 3, AUTOSOMAL RECESSIVE; OPA3-Related 3-Methylglutaconic Aciduria; Costeff Syndrome. Identifiers: Orphanet 67047, MedGen C0574084, MONDO:0009787, OMIM 258501.
Optic atrophy 3 (OPA3). Also called: OPTIC ATROPHY 3, AUTOSOMAL DOMINANT; Optic atrophy, cataract, and neurologic disorder; Optic atrophy 3 with cataract. Identifiers: Orphanet 67036, MedGen C1833809, MONDO:0008133, OMIM 165300.

Allele frequency attached by ClinVar (database versions not stated): TOPMed below 0.00001; gnomAD 0.00001; gnomAD exomes 0.00001.
gnomAD v4.1: 8 of 1,613,010 alleles (0.0005%); highest among the groups gnomAD compares: Non-Finnish European, 0.00068%; no homozygotes.

Submission:

Labcorp Genetics (formerly Invitae), Labcorp
Classification: Uncertain significance for 3-Methylglutaconic aciduria type 3; Optic atrophy 3. Last evaluated: 2023-01-17. Review status: criteria provided, single submitter. Criteria: Invitae Variant Classification Sherloc (09022015). Collection method: clinical testing. Allele origin: germline.
Comment: This sequence change replaces valine, which is neutral and non-polar, with alanine, which is neutral and non-polar, at codon 92 of the OPA3 protein (p.Val92Ala). This variant is not present in population databases (gnomAD no frequency). This variant has not been reported in the literature in individuals affected with OPA3-related conditions. Algorithms developed to predict the effect of missense changes on protein structure and function (SIFT, PolyPhen-2, Align-GVGD) all suggest that this variant is likely to be tolerated. In summary, the available evidence is currently insufficient to determine the role of this variant in disease. Therefore, it has been classified as a Variant of Uncertain Significance.